The following is an entry in ClinVar:

ClinVar aggregate classification (germline): Uncertain significance (1 of 4 stars; one submission).

Conditions:
Familial thoracic aortic aneurysm and aortic dissection (TAAD). Also called: Thoracic aortic aneurysms and dissections. Identifiers: Orphanet 91387, MedGen C4707243, MONDO:0019625.

Submission:

All of Us Research Program, National Institutes of Health
Classification: Uncertain significance for Familial thoracic aortic aneurysm and aortic dissection. Last evaluated: 2024-02-22. Review status: criteria provided, single submitter. Criteria: ACMG Guidelines, 2015. Collection method: clinical testing. Allele origin: germline. Inheritance: Autosomal dominant inheritance. Observed: 1 variant allele, 1 heterozygote.
Comment: This missense variant replaces leucine with phenylalanine at codon 7 of the MYH11 protein. Computational prediction suggests that this variant may not impact protein structure and function (internally defined REVEL score threshold <= 0.5, PMID: 27666373). To our knowledge, functional studies have not been reported for this variant. This variant has not been reported in individuals affected with MYH11-related disorders in the literature. This variant has not been identified in the general population by the Genome Aggregation Database (gnomAD). The available evidence is insufficient to determine the role of this variant in disease conclusively. Therefore, this variant is classified as a Variant of Uncertain Significance.

This study involves interpretation of variants in research participants for the purpose of population health screening. Participant phenotype was not available at the time of variant classification. Additional details can be found in publication PMID: 35346344, PMCID: PMC8962531

NM_002474.3(MYH11):c.19C>T (p.Leu7Phe)

Gene: MYH11 (myosin heavy chain 11; minus strand). Cytogenetic location: 16p13.11.
Variant type: single nucleotide variant.
Coding change: c.19C>T on transcript NM_002474.3 (MANE Select); coding-DNA position 19, C replaced by T.
Protein change: p.Leu7Phe; replaces leucine 7 with phenylalanine.
Molecular consequence: missense variant.
Genome position (GRCh38, 1-based): chr16:15,838,234, G>A on the plus strand (C>T on the coding strand, the complement: MYH11 is on the minus strand). VCF-style: chr16-15838234-G-A. GRCh37 (hg19) VCF-style: chr16-15932091-G-A.
Other names: c.19C>T, p.Leu7Phe (NM_001040113.2, NM_001040114.2, NM_022844.3); short protein forms L7F.
Identifiers: ClinVar variation 3387271 (VCV003387271.1).